The following is an entry in ClinVar:

NM_001852.4(COL9A2):c.1385C>T (p.Pro462Leu)

Gene: COL9A2 (collagen type IX alpha 2 chain; minus strand). Cytogenetic location: 1p34.2.
Variant type: single nucleotide variant.
Coding change: c.1385C>T on transcript NM_001852.4 (MANE Select); coding-DNA position 1385, C replaced by T.
Protein change: p.Pro462Leu; replaces proline 462 with leucine.
Molecular consequence: missense variant.
Genome position (GRCh38, 1-based): chr1:40,303,823, G>A on the plus strand (C>T on the coding strand, the complement: COL9A2 is on the minus strand). VCF-style: chr1-40303823-G-A. GRCh37 (hg19) VCF-style: chr1-40769495-G-A.
Other names: c.1385C>T (NM_001852.3); short protein forms P462L.
Identifiers: ClinVar variation 1409050 (VCV001409050.9), dbSNP rs868507976, ClinGen allele CA339879278.

ClinVar aggregate classification (germline): Uncertain significance. Review status: criteria provided, multiple submitters, no conflicts (2 of 4 stars). 2 submissions from 2 submitters: Uncertain significance (2). Last evaluated 2025-11-03.

Conditions:
Inborn genetic diseases. Identifiers: MedGen C0950123, MeSH D030342.

Allele frequency attached by ClinVar (database versions not stated): gnomAD exomes below 0.00001 and 0.00001; TOPMed below 0.00001.
gnomAD v4.1: 5 of 1,561,804 alleles (0.00032%); highest among the groups gnomAD compares: South Asian, 0.0012%; no homozygotes.

Submissions (2):

Ambry Genetics
Classification: Uncertain significance for Inborn genetic diseases. Last evaluated: 2025-11-03. Review status: criteria provided, single submitter. Criteria: Ambry Variant Classification Scheme 2023. Collection method: clinical testing. Allele origin: germline.

Labcorp Genetics (formerly Invitae), Labcorp
Classification: Uncertain significance. Last evaluated: 2021-07-20. Review status: criteria provided, single submitter. Criteria: Invitae Variant Classification Sherloc (09022015). Collection method: clinical testing. Allele origin: germline.
Comment: This sequence change replaces proline with leucine at codon 462 of the COL9A2 protein (p.Pro462Leu). The proline residue is highly conserved and there is a moderate physicochemical difference between proline and leucine. The frequency data for this variant in the population databases is considered unreliable, as metrics indicate insufficient coverage at this position in the ExAC database. This variant has not been reported in the literature in individuals with COL9A2-related conditions. Advanced modeling of protein sequence and biophysical properties (such as structural, functional, and spatial information, amino acid conservation, physicochemical variation, residue mobility, and thermodynamic stability) performed at Invitae indicates that this missense variant is not expected to disrupt COL9A2 protein function. In summary, the available evidence is currently insufficient to determine the role of this variant in disease. Therefore, it has been classified as a Variant of Uncertain Significance.